The following is an entry in ClinVar:

NM_006254.4(PRKCD):c.433C>T (p.Arg145Cys)

Gene: PRKCD (protein kinase C delta; plus strand). Cytogenetic location: 3p21.1.
Variant type: single nucleotide variant.
Coding change: c.433C>T on transcript NM_006254.4 (MANE Select); coding-DNA position 433, C replaced by T.
Protein change: p.Arg145Cys; replaces arginine 145 with cysteine.
Molecular consequence: missense variant.
Genome position (GRCh38, 1-based): chr3:53,181,500, C>T. VCF-style: chr3-53181500-C-T. GRCh37 (hg19) VCF-style: chr3-53215516-C-T.
Other names: c.433C>T, p.Arg145Cys (NM_001316327.2, NM_001354679.2, NM_001354680.2 and 1 more transcripts); c.490C>T, p.Arg164Cys (NM_001354676.2); c.481C>T, p.Arg161Cys (NM_001354678.2); short protein forms R145C, R164C, R161C.
Identifiers: ClinVar variation 1479792 (VCV001479792.8), dbSNP rs2107262808, ClinGen allele CA353234047.

ClinVar aggregate classification (germline): Uncertain significance (1 of 4 stars; one submission).

Conditions:
Autoimmune lymphoproliferative syndrome, type III caused by mutation in PRKCD. Identifiers: Orphanet 3261, Orphanet 664711, MedGen C3809928, MONDO:8000024, OMIM 615559.

Allele frequency attached by ClinVar (database versions not stated): gnomAD exomes below 0.00001.

Submission:

Labcorp Genetics (formerly Invitae), Labcorp
Classification: Uncertain significance for Autoimmune lymphoproliferative syndrome, type III caused by mutation in PRKCD. Last evaluated: 2022-07-25. Review status: criteria provided, single submitter. Criteria: Invitae Variant Classification Sherloc (09022015). Collection method: clinical testing. Allele origin: germline.
Comment: In summary, the available evidence is currently insufficient to determine the role of this variant in disease. Therefore, it has been classified as a Variant of Uncertain Significance. Algorithms developed to predict the effect of missense changes on protein structure and function are either unavailable or do not agree on the potential impact of this missense change (SIFT: "Deleterious"; PolyPhen-2: "Probably Damaging"; Align-GVGD: "Class C0"). ClinVar contains an entry for this variant (Variation ID: 1479792). This variant has not been reported in the literature in individuals affected with PRKCD-related conditions. This variant is not present in population databases (gnomAD no frequency). This sequence change replaces arginine, which is basic and polar, with cysteine, which is neutral and slightly polar, at codon 145 of the PRKCD protein (p.Arg145Cys).